The following is an entry in ClinVar:

ClinVar aggregate classification (germline): Likely benign. Review status: criteria provided, multiple submitters, no conflicts (2 of 4 stars). 3 submissions from 3 submitters: Likely benign (3). Last evaluated 2026-01-21.

Conditions:
TTN-related disorder. Also called: TTN-related condition; TTN-related disease; TTN-related disorders.
Cardiovascular phenotype. Identifiers: MedGen CN230736.
Autosomal recessive limb-girdle muscular dystrophy type 2J (LGMDR10). Also called: Limb-girdle muscular dystrophy, type 2J; MUSCULAR DYSTROPHY, LIMB-GIRDLE, AUTOSOMAL RECESSIVE 10. Identifiers: Orphanet 140922, MedGen C1837342, MONDO:0012127, OMIM 608807.
Dilated cardiomyopathy 1G (CMD1G). Identifiers: Orphanet 154, MedGen C1858763, MONDO:0011400, OMIM 604145.

Allele frequency attached by ClinVar (database versions not stated): gnomAD exomes below 0.00001 and 0.00001; ExAC 0.00001; gnomAD 0.00001; TOPMed 0.00002.
gnomAD v4.1: 21 of 1,613,868 alleles (0.0013%); highest among the groups gnomAD compares: African/African-American, 0.0027%; 1 homozygote.

Submissions (3):

Labcorp Genetics (formerly Invitae), Labcorp
Classification: Likely benign for Dilated cardiomyopathy 1G; Autosomal recessive limb-girdle muscular dystrophy type 2J. Last evaluated: 2026-01-21. Review status: criteria provided, single submitter. Criteria: Invitae Variant Classification Sherloc (09022015). Collection method: clinical testing. Allele origin: germline.

PreventionGenetics, part of Exact Sciences
Classification: Likely benign for TTN-related condition. Last evaluated: 2025-06-11. Review status: criteria provided, single submitter. Criteria: ACMG Guidelines, 2015. Collection method: clinical testing. Allele origin: germline.
Comment: This variant is classified as likely benign based on ACMG/AMP sequence variant interpretation guidelines (Richards et al. 2015 PMID: 25741868, with internal and published modifications).

Ambry Genetics
Classification: Likely benign for Cardiovascular phenotype. Last evaluated: 2019-10-13. Review status: criteria provided, single submitter. Criteria: Ambry Variant Classification Scheme 2023. Collection method: clinical testing. Allele origin: germline.

NM_001267550.2(TTN):c.106200T>C (p.Thr35400=)

Genes: TTN (titin; minus strand), TTN-AS1 (TTN antisense RNA 1; plus strand). Cytogenetic location: 2q31.2.
Variant type: single nucleotide variant.
Coding change: c.106200T>C on transcript NM_001267550.2 (MANE Select); coding-DNA position 106200, T replaced by C.
Protein change: p.Thr35400=; no amino-acid change (threonine 35400 retained).
Molecular consequence: synonymous variant.
Genome position (GRCh38, 1-based): chr2:178,530,415, A>G on the plus strand (T>C on the coding strand, the complement: TTN is on the minus strand). VCF-style: chr2-178530415-A-G. GRCh37 (hg19) VCF-style: chr2-179395142-A-G.
Other names: c.101277T>C, p.Thr33759= (NM_001256850.1); c.79005T>C, p.Thr26335= (NM_003319.4); c.98496T>C, p.Thr32832= (NM_133378.4); c.79380T>C, p.Thr26460= (NM_133432.3); c.79581T>C, p.Thr26527= (NM_133437.4).
Identifiers: ClinVar variation 700265 (VCV000700265.11), dbSNP rs778143338, ClinGen allele CA1985148.